The following is an entry in ClinVar:

ClinVar aggregate classification (germline): Conflicting classifications of pathogenicity. Review status: criteria provided, conflicting classifications (1 of 4 stars). 2 submissions from 2 submitters: Uncertain significance (1); Likely benign (1). Last evaluated 2024-07-24.

Conditions:
Hereditary cancer-predisposing syndrome. Also called: Hereditary Cancer Syndrome; Hereditary neoplastic syndrome; Neoplastic Syndromes, Hereditary; Tumor predisposition. Identifiers: Orphanet 140162, MedGen C0027672, MeSH D009386, MONDO:0015356.
Familial cancer of breast. Also called: BREAST CANCER, FAMILIAL; Hereditary breast cancer; hereditary breast carcinoma. Identifiers: Orphanet 227535, MedGen C0346153, MONDO:0016419, OMIM 114480. Disease mechanism: loss of function.

Submissions (2):

Ambry Genetics
Classification: Likely benign for Hereditary cancer-predisposing syndrome. Last evaluated: 2024-07-24. Review status: criteria provided, single submitter. Criteria: Ambry Variant Classification Scheme 2023. Collection method: clinical testing. Allele origin: germline.

Labcorp Genetics (formerly Invitae), Labcorp
Classification: Uncertain significance for Familial cancer of breast. Last evaluated: 2022-09-14. Review status: criteria provided, single submitter. Criteria: Invitae Variant Classification Sherloc (09022015). Collection method: clinical testing. Allele origin: germline.
Comment: In summary, the available evidence is currently insufficient to determine the role of this variant in disease. Therefore, it has been classified as a Variant of Uncertain Significance. Algorithms developed to predict the effect of missense changes on protein structure and function output the following: SIFT: "Tolerated"; PolyPhen-2: "Benign"; Align-GVGD: "Class C0". The isoleucine amino acid residue is found in multiple mammalian species, which suggests that this missense change does not adversely affect protein function. ClinVar contains an entry for this variant (Variation ID: 1430378). This variant has not been reported in the literature in individuals affected with PALB2-related conditions. This variant is not present in population databases (gnomAD no frequency). This sequence change replaces threonine, which is neutral and polar, with isoleucine, which is neutral and non-polar, at codon 274 of the PALB2 protein (p.Thr274Ile).

NM_024675.4(PALB2):c.821C>T (p.Thr274Ile)

Gene: PALB2 (partner and localizer of BRCA2; minus strand). Cytogenetic location: 16p12.2.
Variant type: single nucleotide variant.
Coding change: c.821C>T on transcript NM_024675.4 (MANE Select); coding-DNA position 821, C replaced by T.
Protein change: p.Thr274Ile; replaces threonine 274 with isoleucine.
Molecular consequence: missense variant.
Genome position (GRCh38, 1-based): chr16:23,635,725, G>A on the plus strand (C>T on the coding strand, the complement: PALB2 is on the minus strand). VCF-style: chr16-23635725-G-A. GRCh37 (hg19) VCF-style: chr16-23647046-G-A.
Other names: c.821C>T (NM_024675.3); short protein forms T274I.
Identifiers: ClinVar variation 1430378 (VCV001430378.10), dbSNP rs867994747, ClinGen allele CA279499394.